The following is an entry in ClinVar:

NM_001002295.2(GATA3):c.-48G>T

Gene: GATA3 (GATA binding protein 3; plus strand). Cytogenetic location: 10p14.
Variant type: single nucleotide variant.
Coding change: c.-48G>T on transcript NM_001002295.2 (MANE Select); 48 bases upstream of the start codon, G replaced by T.
Molecular consequence: 5 prime UTR variant.
Genome position (GRCh38, 1-based): chr10:8,055,608, G>T. VCF-style: chr10-8055608-G-T. GRCh37 (hg19) VCF-style: chr10-8097571-G-T.
Other names: c.-48G>T (NM_002051.3).
Identifiers: ClinVar variation 301116 (VCV000301116.6), dbSNP rs554517990, ClinGen allele CA5404269.

ClinVar aggregate classification (germline): Benign/Likely benign. Review status: criteria provided, multiple submitters, no conflicts (2 of 4 stars). 2 submissions from 2 submitters: Benign (1); Likely benign (1). Last evaluated 2018-06-16.

Conditions:
Hypoparathyroidism, deafness, renal disease syndrome (HDRS). Also called: HYPOPARATHYROIDISM, SENSORINEURAL DEAFNESS, AND RENAL DYSPLASIA SYNDROME. Identifiers: Orphanet 2237, MedGen C1840333, MONDO:0007797, OMIM 146255.

Allele frequency attached by ClinVar (database versions not stated): ExAC 0.00044; gnomAD exomes 0.00067; 1000 Genomes Project 30x 0.00281; 1000 Genomes Project 0.00300; gnomAD 0.00312 and 0.00344; TOPMed 0.00334.
gnomAD v4.1: 836 of 1,521,422 alleles (0.055%); highest among the groups gnomAD compares: African/African-American, 1.1%; 2 homozygotes.

Submissions (2):

GeneDx
Classification: Likely benign. Last evaluated: 2018-06-16. Review status: criteria provided, single submitter. Criteria: GeneDx Variant Classification (06012015). Collection method: clinical testing. Allele origin: germline. Affected: yes.
Comment: This variant is considered likely benign or benign based on one or more of the following criteria: it is a conservative change, it occurs at a poorly conserved position in the protein, it is predicted to be benign by multiple in silico algorithms, and/or has population frequency not consistent with disease.

Illumina Laboratory Services, Illumina
Classification: Benign for Hypoparathyroidism, deafness, renal disease syndrome. Last evaluated: 2018-01-12. Review status: criteria provided, single submitter. Criteria: ICSL Variant Classification Criteria 13 December 2019. Collection method: clinical testing. Allele origin: germline.
Comment: This variant was observed in the ICSL laboratory as part of a predisposition screen in an ostensibly healthy population. It had not been previously curated by ICSL or reported in the Human Gene Mutation Database (HGMD: prior to June 1st, 2018), and was therefore a candidate for classification through an automated scoring system. Utilizing variant allele frequency, disease prevalence and penetrance estimates, and inheritance mode, an automated score was calculated to assess if this variant is too frequent to cause the disease. Based on the score and internal cut-off values, a variant classified as benign is not then subjected to further curation. The score for this variant resulted in a classification of benign for this disease.